The following is an entry in ClinVar:

ClinVar aggregate classification (germline): Uncertain significance. Review status: criteria provided, multiple submitters, no conflicts (2 of 4 stars). 2 submissions from 2 submitters: Uncertain significance (2). Last evaluated 2026-02-09.

gnomAD v4.1: 8 of 1,614,092 alleles (0.0005%); highest among the groups gnomAD compares: Admixed American, 0.0017%; no homozygotes.

Submissions (2):

Women's Health and Genetics/Laboratory Corporation of America, LabCorp
Classification: Uncertain significance. Last evaluated: 2026-02-09. Review status: criteria provided, single submitter. Criteria: LabCorp Variant Classification Summary - May 2015. Collection method: clinical testing. Allele origin: germline.
Comment: Variant summary: AFG3L2 c.464G>T (p.Gly155Val) results in a non-conservative amino acid change in the encoded protein sequence. Algorithms developed to predict the effect of missense changes on protein structure and function are either unavailable or do not agree on the potential impact of this missense change. The variant allele was found at a frequency of 1.6e-05 in 251466 control chromosomes. The available data on variant occurrences in the general population are insufficient to allow any conclusion about variant significance. To our knowledge, no occurrence of c.464G>T in individuals affected with AFG3L2-related conditions and no experimental evidence demonstrating its impact on protein function have been reported. No submitters have cited clinical-significance assessments for this variant to ClinVar. Based on the evidence outlined above, the variant was classified as uncertain significance.

Dasa
Classification: Uncertain significance. Last evaluated: 2025-03-10. Review status: criteria provided, single submitter. Criteria: DASA Assertion Criteria. Collection method: clinical testing. Allele origin: germline.
Comment: NM_006796.3(AFG3L2):c.464G>T (p.Gly155Val) is a missense variant that results in the substitution of glycine with valine. This variant is rare in population databases. Computational prediction algorithms are consistent with a benign effect. The currently available literature and clinical evidence are not sufficient to establish a definitive association between this variant and the reported condition. Therefore, this variant is classified as a variant of uncertain significance.

NM_006796.3(AFG3L2):c.464G>T (p.Gly155Val)

Gene: AFG3L2 (AFG3 like matrix AAA peptidase subunit 2; minus strand). Cytogenetic location: 18p11.21.
Variant type: single nucleotide variant.
Coding change: c.464G>T on transcript NM_006796.3 (MANE Select); coding-DNA position 464, G replaced by T.
Protein change: p.Gly155Val; replaces glycine 155 with valine.
Molecular consequence: missense variant.
Genome position (GRCh38, 1-based): chr18:12,367,053, C>A on the plus strand (G>T on the coding strand, the complement: AFG3L2 is on the minus strand). VCF-style: chr18-12367053-C-A. GRCh37 (hg19) VCF-style: chr18-12367052-C-A.
Other names: short protein forms G155V.
Identifiers: ClinVar variation 4847967 (VCV004847967.3).